The following is an entry in ClinVar:

NM_001286535.2(RAD9B):c.661G>A (p.Gly221Arg)

Gene: RAD9B (RAD9 checkpoint clamp component B; plus strand). Cytogenetic location: 12q24.11.
Variant type: single nucleotide variant.
Coding change: c.661G>A on transcript NM_001286535.2 (MANE Select); coding-DNA position 661, G replaced by A.
Protein change: p.Gly221Arg; replaces glycine 221 with arginine.
Molecular consequence: missense variant.
Genome position (GRCh38, 1-based): chr12:110,518,741, G>A. VCF-style: chr12-110518741-G-A. GRCh37 (hg19) VCF-style: chr12-110956546-G-A.
Other names: c.445G>A, p.Gly149Arg (NM_001286531.2, NM_001286532.2, NM_001368051.1 and 1 more transcripts); c.187G>A, p.Gly63Arg (NM_001286533.2, NM_001286534.2); c.454G>A, p.Gly152Arg (NM_001286536.2); c.661G>A, p.Gly221Arg (NM_001368052.1, NM_152442.4); c.70G>A, p.Gly24Arg (NM_001368054.1, NM_001368055.1, NM_001368056.1); short protein forms G149R, G24R, G152R, G221R, G63R.
Identifiers: ClinVar variation 694312 (VCV000694312.2), dbSNP rs763079713, ClinGen allele CA6786058.

ClinVar aggregate classification (germline): Likely pathogenic (0 of 4 stars; one submission).

Conditions:
Neural tube defect (NTD). Also called: Neural tube defects. Identifiers: Orphanet 3388, Orphanet 823, MedGen C0027794, MONDO:0018075, HP:0045005.

Allele frequency attached by ClinVar (database versions not stated): gnomAD exomes below 0.00001; ExAC 0.00001.
gnomAD v4.1: 2 of 1,611,098 alleles (0.00012%); highest among the groups gnomAD compares: Non-Finnish European, 0.00017%; no homozygotes.

Submission:

Finnell Lab, Baylor College of Medicine
Classification: Likely pathogenic for Neural tube defects, susceptibility to. Review status: no assertion criteria provided. Collection method: case-control. Allele origin: unknown. Affected: yes. Observed: 1 heterozygote.
Comment: In vitro functional study described this variant affects RAD9B's protein function.